The following is an entry in ClinVar:

ClinVar aggregate classification (germline): Uncertain significance. Review status: criteria provided, multiple submitters, no conflicts (2 of 4 stars). 2 submissions from 2 submitters: Uncertain significance (2). Last evaluated 2026-02-04.

Conditions:
Hereditary cancer-predisposing syndrome. Also called: Neoplastic Syndromes, Hereditary; Tumor predisposition; Hereditary Cancer Syndrome; Hereditary neoplastic syndrome. Identifiers: Orphanet 140162, MedGen C0027672, MeSH D009386, MONDO:0015356.

Allele frequency attached by ClinVar (database versions not stated): gnomAD 0.00001.
gnomAD v4.1: 1 of 1,608,264 alleles (0.000062%); highest among the groups gnomAD compares: East Asian, 0.0022%; no homozygotes.

Submissions (2):

Labcorp Genetics (formerly Invitae), Labcorp
Classification: Uncertain significance for Hereditary cancer-predisposing syndrome. Last evaluated: 2026-02-04. Review status: criteria provided, single submitter. Criteria: Invitae Variant Classification Sherloc (09022015). Collection method: clinical testing. Allele origin: germline.
Comment: This sequence change replaces proline, which is neutral and non-polar, with leucine, which is neutral and non-polar, at codon 59 of the RAD50 protein (p.Pro59Leu). This variant is present in population databases (no rsID available, gnomAD 0.06%). This variant has not been reported in the literature in individuals affected with RAD50-related conditions. ClinVar contains an entry for this variant (Variation ID: 234166). Invitae Evidence Modeling of protein sequence and biophysical properties (such as structural, functional, and spatial information, amino acid conservation, physicochemical variation, residue mobility, and thermodynamic stability) indicates that this missense variant is expected to disrupt RAD50 protein function with a positive predictive value of 80%. In summary, the available evidence is currently insufficient to determine the role of this variant in disease. Therefore, it has been classified as a Variant of Uncertain Significance.

Ambry Genetics
Classification: Uncertain significance for Hereditary cancer-predisposing syndrome. Last evaluated: 2015-09-28. Review status: criteria provided, single submitter. Criteria: Ambry Variant Classification Scheme 2023. Collection method: clinical testing. Allele origin: germline.
Comment: The p.P59L variant (also known as c.176C>T), located in coding exon 2 of the RAD50 gene, results from a C to T substitution at nucleotide position 176. The proline at codon 59 is replaced by leucine, an amino acid with similar properties. This variant was not reported in population based cohorts in the following databases: Database of Single Nucleotide Polymorphisms (dbSNP), NHLBI Exome Sequencing Project (ESP), and 1000 Genomes Project. In the ESP, this variant was not observed in 6494 samples (12988 alleles) with coverage at this position. To date, this alteration has been detected with an allele frequency of approximately 0.002% (greater than 120000 alleles tested) in our clinical cohort. This amino acid position is highly conserved in available vertebrate species. In addition, the in silico prediction for this alteration is inconclusive. Since supporting evidence is limited at this time, the clinical significance of p.P59L remains unclear.

NM_005732.4(RAD50):c.176C>T (p.Pro59Leu)

Gene: RAD50 (RAD50 double strand break repair protein; plus strand). Cytogenetic location: 5q31.1.
Variant type: single nucleotide variant.
Coding change: c.176C>T on transcript NM_005732.4 (MANE Select); coding-DNA position 176, C replaced by T.
Protein change: p.Pro59Leu; replaces proline 59 with leucine.
Molecular consequence: missense variant.
Genome position (GRCh38, 1-based): chr5:132,559,330, C>T. VCF-style: chr5-132559330-C-T. GRCh37 (hg19) VCF-style: chr5-131895022-C-T.
Other names: short protein forms P59L.
Identifiers: ClinVar variation 234166 (VCV000234166.8), dbSNP rs876660895, ClinGen allele CA10578477.